The following is an entry in ClinVar:

NM_024740.2(ALG9):c.1794C>T (p.Tyr598=)

Gene: ALG9 (ALG9 alpha-1,2-mannosyltransferase; minus strand). Cytogenetic location: 11q23.1.
Variant type: single nucleotide variant.
Coding change: c.1794C>T on transcript NM_024740.2 (MANE Select); coding-DNA position 1794, C replaced by T.
Protein change: p.Tyr598=; no amino-acid change (tyrosine 598 retained).
Molecular consequence: synonymous variant. On other transcripts: 3 prime UTR variant (2), non-coding transcript variant (1).
Genome position (GRCh38, 1-based): chr11:111,786,460, G>A on the plus strand (C>T on the coding strand, the complement: ALG9 is on the minus strand). VCF-style: chr11-111786460-G-A. GRCh37 (hg19) VCF-style: chr11-111657184-G-A.
Other names: p.Tyr598=; c.1773C>T, p.Tyr591= (NM_001077690.1, NM_001352417.1); c.1281C>T, p.Tyr427= (NM_001077691.2, NM_001352413.1, NM_001352414.2 and 1 more transcripts); c.1260C>T, p.Tyr420= (NM_001077692.2, NM_001352409.1, NM_001352410.1 and 4 more transcripts); c.1650C>T, p.Tyr550= (NM_001352418.1); c.*66C>T (NM_001352420.2); c.*60C>T (NM_001352421.2); c.1185C>T, p.Tyr395= (NM_001352422.2); and 1 more.
Identifiers: ClinVar variation 384997 (VCV000384997.34), dbSNP rs77191760, ClinGen allele CA6274297.

ClinVar aggregate classification (germline): Benign/Likely benign. Review status: criteria provided, multiple submitters, no conflicts (2 of 4 stars). 8 submissions from 8 submitters: Benign (2); Likely benign (6). Last evaluated 2026-02-01.

Conditions:
ALG9 congenital disorder of glycosylation (CDG1L). Also called: ALG9-CDG; CDG Il; CONGENITAL DISORDER OF GLYCOSYLATION, TYPE Il. Identifiers: Orphanet 79328, MedGen C2931006, MONDO:0012117, OMIM 608776.
ALG9-related disorder. Also called: ALG9-related condition.
Gillessen-Kaesbach-Nishimura syndrome (GIKANIS). Identifiers: MedGen C1849762, MONDO:0009890, OMIM 263210.

Allele frequency attached by ClinVar (database versions not stated): gnomAD exomes 0.00025 and 0.00062; ExAC 0.00073; gnomAD 0.00219 and 0.00238; ESP Exome Variant Server 0.00257; TOPMed 0.00271; 1000 Genomes Project 0.00419; 1000 Genomes Project 30x 0.00531.

Submissions (8):

Labcorp Genetics (formerly Invitae), Labcorp
Classification: Benign for ALG9 congenital disorder of glycosylation. Last evaluated: 2026-02-01. Review status: criteria provided, single submitter. Criteria: Invitae Variant Classification Sherloc (09022015). Collection method: clinical testing. Allele origin: germline.

Mayo Clinic Laboratories, Mayo Clinic
Classification: Likely benign. Last evaluated: 2025-09-11. Review status: criteria provided, single submitter. Criteria: ACMG Guidelines, 2015. Collection method: clinical testing. Allele origin: germline. Observed: 1 variant allele.
Comment: BS1, BP4, BP7

PreventionGenetics, part of Exact Sciences
Classification: Benign for ALG9-related condition. Last evaluated: 2024-11-26. Review status: criteria provided, single submitter. Criteria: ACMG Guidelines, 2015. Collection method: clinical testing. Allele origin: germline.
Comment: This variant is classified as benign based on ACMG/AMP sequence variant interpretation guidelines (Richards et al. 2015 PMID: 25741868, with internal and published modifications).

CeGaT Center for Human Genetics Tuebingen
Classification: Likely benign. Last evaluated: 2024-09-01. Review status: criteria provided, single submitter. Criteria: CeGaT Center For Human Genetics Tuebingen Variant Classification Criteria Version 2. Collection method: clinical testing. Allele origin: germline. Affected: yes. Observed: 2 variant alleles.
Comment: ALG9: BP4, BP7

Blueprint Genetics
Classification: Likely benign. Last evaluated: 2024-08-30. Review status: criteria provided, single submitter. Criteria: ACMG Guidelines, 2015. Collection method: clinical testing. Allele origin: germline.

Fulgent Genetics
Classification: Likely benign for Gillessen-Kaesbach-Nishimura syndrome; ALG9 congenital disorder of glycosylation. Last evaluated: 2021-07-29. Review status: criteria provided, single submitter. Criteria: ACMG Guidelines, 2015. Collection method: clinical testing. Allele origin: unknown.

GeneDx
Classification: Likely benign. Last evaluated: 2018-05-01. Review status: criteria provided, single submitter. Criteria: GeneDx Variant Classification Process June 2021. Collection method: clinical testing. Allele origin: germline. Affected: yes.

Breakthrough Genomics
Classification: Likely benign. Review status: criteria provided, single submitter. Criteria: ACMG Guidelines, 2015. Collection method: not provided. Allele origin: germline. Inheritance: Autosomal recessive inheritance. Affected: yes.